The following is an entry in ClinVar:

NM_020706.2(SCAF4):c.115-1G>A

Gene: SCAF4 (SR-related CTD associated factor 4; minus strand). Cytogenetic location: 21q22.11.
Variant type: single nucleotide variant.
Coding change: c.115-1G>A on transcript NM_020706.2 (MANE Select); the canonical splice acceptor site of the intron before coding-DNA position 115, G replaced by A.
Molecular consequence: splice acceptor variant. On other transcripts: intron variant (1).
Genome position (GRCh38, 1-based): chr21:31,705,468, C>T on the plus strand (G>A on the coding strand, the complement: SCAF4 is on the minus strand). VCF-style: chr21-31705468-C-T. GRCh37 (hg19) VCF-style: chr21-33077781-C-T.
Other names: c.114+806G>A (NM_001145444.1); c.115-1G>A (NM_001145445.1).
Identifiers: ClinVar variation 3342321 (VCV003342321.2).

ClinVar aggregate classification (germline): Likely pathogenic (1 of 4 stars; one submission).

Submission:

GeneDx
Classification: Likely pathogenic. Last evaluated: 2025-01-27. Review status: criteria provided, single submitter. Criteria: GeneDx Variant Classification Process June 2021. Collection method: clinical testing. Allele origin: germline.
Comment: Canonical splice site variant predicted to result in an in-frame loss of the adjacent exon in a gene for which loss of function is a known mechanism of disease; Not observed at significant frequency in large population cohorts (gnomAD); Has not been previously published as pathogenic or benign to our knowledge